The following is an entry in ClinVar:

ClinVar aggregate classification (germline): Uncertain significance (1 of 4 stars; one submission).

gnomAD v4.1: 1 of 1,611,830 alleles (0.000062%); no homozygotes.

Submission:

Labcorp Genetics (formerly Invitae), Labcorp
Classification: Uncertain significance. Last evaluated: 2024-05-27. Review status: criteria provided, single submitter. Criteria: Invitae Variant Classification Sherloc (09022015). Collection method: clinical testing. Allele origin: germline.
Comment: This sequence change replaces lysine, which is basic and polar, with arginine, which is basic and polar, at codon 463 of the COL11A2 protein (p.Lys463Arg). This variant is not present in population databases (gnomAD no frequency). This variant has not been reported in the literature in individuals affected with COL11A2-related conditions. Advanced modeling of protein sequence and biophysical properties (such as structural, functional, and spatial information, amino acid conservation, physicochemical variation, residue mobility, and thermodynamic stability) performed at Invitae indicates that this missense variant is not expected to disrupt COL11A2 protein function with a negative predictive value of 95%. In summary, the available evidence is currently insufficient to determine the role of this variant in disease. Therefore, it has been classified as a Variant of Uncertain Significance.

NM_080680.3(COL11A2):c.1388A>G (p.Lys463Arg)

Gene: COL11A2 (collagen type XI alpha 2 chain; minus strand). Cytogenetic location: 6p21.32.
Variant type: single nucleotide variant.
Coding change: c.1388A>G on transcript NM_080680.3 (MANE Select); coding-DNA position 1388, A replaced by G.
Protein change: p.Lys463Arg; replaces lysine 463 with arginine.
Molecular consequence: missense variant.
Genome position (GRCh38, 1-based): chr6:33,179,777, T>C on the plus strand (A>G on the coding strand, the complement: COL11A2 is on the minus strand). VCF-style: chr6-33179777-T-C. GRCh37 (hg19) VCF-style: chr6-33147554-T-C.
Other names: c.1208A>G, p.Lys403Arg (NM_001424108.1); c.542A>G, p.Lys181Arg (NM_001424109.1); c.362A>G, p.Lys121Arg (NM_001424110.1, NM_001424111.1); c.1067A>G, p.Lys356Arg (NM_080679.3); c.1130A>G, p.Lys377Arg (NM_080681.3); short protein forms K181R, K377R, K403R, K463R, K121R, K356R.
Identifiers: ClinVar variation 3635261 (VCV003635261.2).